The following is an entry in ClinVar:

NM_000717.5(CA4):c.893T>C (p.Leu298Pro)

Gene: CA4 (carbonic anhydrase 4; plus strand). Cytogenetic location: 17q23.1.
Variant type: single nucleotide variant.
Coding change: c.893T>C on transcript NM_000717.5 (MANE Select); coding-DNA position 893, T replaced by C.
Protein change: p.Leu298Pro; replaces leucine 298 with proline.
Molecular consequence: missense variant. On other transcripts: non-coding transcript variant (1).
Genome position (GRCh38, 1-based): chr17:60,159,378, T>C. VCF-style: chr17-60159378-T-C. GRCh37 (hg19) VCF-style: chr17-58236739-T-C.
Other names: short protein forms L298P.
Identifiers: ClinVar variation 1929264 (VCV001929264.5), dbSNP rs750163649, ClinGen allele CA8685567.

ClinVar aggregate classification (germline): Uncertain significance (1 of 4 stars; one submission).

Allele frequency attached by ClinVar (database versions not stated): gnomAD exomes below 0.00001; ExAC 0.00001; gnomAD 0.00002; TOPMed 0.00002.
gnomAD v4.1: 9 of 1,612,332 alleles (0.00056%); highest among the groups gnomAD compares: Admixed American, 0.012%; no homozygotes.

Submission:

Labcorp Genetics (formerly Invitae), Labcorp
Classification: Uncertain significance. Last evaluated: 2025-08-12. Review status: criteria provided, single submitter. Criteria: Invitae Variant Classification Sherloc (09022015). Collection method: clinical testing. Allele origin: germline.
Comment: This sequence change replaces leucine, which is neutral and non-polar, with proline, which is neutral and non-polar, at codon 298 of the CA4 protein (p.Leu298Pro). This variant is present in population databases (rs750163649, gnomAD 0.02%). This variant has not been reported in the literature in individuals affected with CA4-related conditions. ClinVar contains an entry for this variant (Variation ID: 1929264). An algorithm developed to predict the effect of missense changes on protein structure and function (PolyPhen-2) suggests that this variant is likely to be disruptive. In summary, the available evidence is currently insufficient to determine the role of this variant in disease. Therefore, it has been classified as a Variant of Uncertain Significance.